The following is an entry in ClinVar:

NM_000548.5(TSC2):c.2742+4G>T

Gene: TSC2 (TSC complex subunit 2; plus strand). Cytogenetic location: 16p13.3.
Variant type: single nucleotide variant.
Coding change: c.2742+4G>T on transcript NM_000548.5 (MANE Select); 4 bases into the intron after coding-DNA position 2742, G replaced by T.
Molecular consequence: intron variant.
Genome position (GRCh38, 1-based): chr16:2,076,174, G>T. VCF-style: chr16-2076174-G-T. GRCh37 (hg19) VCF-style: chr16-2126175-G-T.
Other names: c.2742+4G>T (NM_001114382.3, NM_021055.3, NM_001370405.1 and 3 more transcripts); c.2631+4G>T (NM_001318827.2); c.2142+4G>T (NM_001318831.2); c.2595+4G>T (NM_001318829.2); c.2775+4G>T (NM_001318832.2).
Identifiers: ClinVar variation 943293 (VCV000943293.8), dbSNP rs587781683, ClinGen allele CA1139664239.

ClinVar aggregate classification (germline): Conflicting classifications of pathogenicity. Review status: criteria provided, conflicting classifications (1 of 4 stars). 2 submissions from 2 submitters: Uncertain significance (1); Likely benign (1). Last evaluated 2025-10-26.

Conditions:
Hereditary cancer-predisposing syndrome. Also called: Neoplastic Syndromes, Hereditary; Hereditary neoplastic syndrome; Hereditary Cancer Syndrome; Tumor predisposition. Identifiers: Orphanet 140162, MedGen C0027672, MeSH D009386, MONDO:0015356.
Tuberous sclerosis 2 (TSC2). Identifiers: Orphanet 805, MedGen C1860707, MONDO:0013199, OMIM 613254.

gnomAD v4.1: 1 of 1,613,574 alleles (0.000062%); highest among the groups gnomAD compares: Non-Finnish European, 0.000085%; no homozygotes.

Submissions (2):

Labcorp Genetics (formerly Invitae), Labcorp
Classification: Likely benign for Tuberous sclerosis 2. Last evaluated: 2025-10-26. Review status: criteria provided, single submitter. Criteria: Invitae Variant Classification Sherloc (09022015). Collection method: clinical testing. Allele origin: germline.

Ambry Genetics
Classification: Uncertain significance for Hereditary cancer-predisposing syndrome. Last evaluated: 2024-03-28. Review status: criteria provided, single submitter. Criteria: Ambry Variant Classification Scheme 2023. Collection method: clinical testing. Allele origin: germline.
Comment: The c.2742+4G>T intronic variant results from a G to T substitution 4 nucleotides after coding exon 23 in the TSC2 gene. This nucleotide position is poorly conserved in available vertebrate species. In silico splice site analysis predicts that this alteration may weaken the native splice donor site. Based on the available evidence, the clinical significance of this alteration remains unclear.